The following is an entry in ClinVar:

ClinVar aggregate classification (germline): Uncertain significance (1 of 4 stars; one submission).

Conditions:
Cardiomyopathy (CMYO). Also called: Cardiomyopathies. Identifiers: Orphanet 167848, MedGen C0878544, MONDO:0004994, HP:0001638. Inheritance: Various modes of inheritance.

Submission:

Color Diagnostics, LLC DBA Color Health
Classification: Uncertain significance for Cardiomyopathy. Last evaluated: 2020-02-18. Review status: criteria provided, single submitter. Criteria: ACMG Guidelines, 2015. Collection method: clinical testing. Allele origin: germline.
Comment: This variant is located in the 5' untranslated region of the RYR2 gene. To our knowledge, functional studies have not been performed for this variant. This variant has not been reported in individuals affected with cardiovascular disorders in the literature. This variant has not been identified in the general population by the Genome Aggregation Database (gnomAD). The available evidence is insufficient to determine the role of this variant in disease conclusively. Therefore, this variant is classified as a Variant of Uncertain Significance.

NM_001035.3(RYR2):c.-2C>A

Gene: RYR2 (ryanodine receptor 2; plus strand). Cytogenetic location: 1q43.
Variant type: single nucleotide variant.
Coding change: c.-2C>A on transcript NM_001035.3 (MANE Select); 2 bases upstream of the start codon, C replaced by A.
Molecular consequence: 5 prime UTR variant.
Genome position (GRCh38, 1-based): chr1:237,042,520, C>A. VCF-style: chr1-237042520-C-A. GRCh37 (hg19) VCF-style: chr1-237205820-C-A.
Identifiers: ClinVar variation 927379 (VCV000927379.3), dbSNP rs1660031883, ClinGen allele CA1139656669.
Genomic context (GRCh38, chr1:237,042,520, plus strand): 5'-CCGCCGCCGCCGCCGAGCTCCGCGGGGCTCGGGAGCCGGCCCCGGCGAGGAGGCGCGGAA[C>A]CATGGCCGATGGGGGCGAGGGCGAAGACGAGATCCAGTTCCTGCGAACTGTAAGCGCCGT-3'